The following is an entry in ClinVar:

ClinVar aggregate classification (germline): Uncertain significance (0 of 4 stars; one submission).

Conditions:
PCNT-related disorder. Also called: PCNT-related condition.

gnomAD v4.1: 1 of 1,613,838 alleles (0.000062%); highest among the groups gnomAD compares: Non-Finnish European, 0.000085%; no homozygotes.

Submission:

PreventionGenetics, part of Exact Sciences
Classification: Uncertain significance for PCNT-related condition. Last evaluated: 2024-03-23. Review status: no assertion criteria provided. Collection method: clinical testing. Allele origin: germline.
Comment: The PCNT c.2672A>G variant is predicted to result in the amino acid substitution p.Gln891Arg. To our knowledge, this variant has not been reported in the literature or in a large population database, indicating this variant is rare. At this time, the clinical significance of this variant is uncertain due to the absence of conclusive functional and genetic evidence.

NM_006031.6(PCNT):c.2672A>G (p.Gln891Arg)

Gene: PCNT (pericentrin; plus strand). Cytogenetic location: 21q22.3.
Variant type: single nucleotide variant.
Coding change: c.2672A>G on transcript NM_006031.6 (MANE Select); coding-DNA position 2672, A replaced by G.
Protein change: p.Gln891Arg; replaces glutamine 891 with arginine.
Molecular consequence: missense variant.
Genome position (GRCh38, 1-based): chr21:46,366,646, A>G. VCF-style: chr21-46366646-A-G. GRCh37 (hg19) VCF-style: chr21-47786561-A-G.
Other names: c.2318A>G, p.Gln773Arg (NM_001315529.2); short protein forms Q773R, Q891R.
Identifiers: ClinVar variation 3349443 (VCV003349443.1).
Genomic context (GRCh38, chr21:46,366,646, plus strand): 5'-TTTTAGAGGAACGTAAAGAGATCACCGAGAAATTCAGTGCGGAACAAGATGCCTTCCTGC[A>G]GGAGGCCCAGGAGCAGCATGCCCGTGAGCTGCAGCTCCTCCAGGAGAGACACCAGCAGCA-3'
Protein context (NP_006022.3, residues 881-901): KFSAEQDAFL[Gln891Arg]EAQEQHAREL